The following is an entry in ClinVar:

NM_000535.7(PMS2):c.2448G>C (p.Val816=)

Gene: PMS2 (PMS1 homolog 2, mismatch repair system component; minus strand). Cytogenetic location: 7p22.1.
Variant type: single nucleotide variant.
Coding change: c.2448G>C on transcript NM_000535.7 (MANE Select); coding-DNA position 2448, G replaced by C.
Protein change: p.Val816=; no amino-acid change (valine 816 retained).
Molecular consequence: synonymous variant. On other transcripts: non-coding transcript variant (1).
Genome position (GRCh38, 1-based): chr7:5,973,540, C>G on the plus strand (G>C on the coding strand, the complement: PMS2 is on the minus strand). VCF-style: chr7-5973540-C-G. GRCh37 (hg19) VCF-style: chr7-6013171-C-G.
Other names: c.2043G>C, p.Val681= (NM_001322003.2, NM_001322004.2, NM_001322005.2); c.2292G>C, p.Val764= (NM_001322006.2); c.2130G>C, p.Val710= (NM_001322007.2, NM_001322008.2); c.2076G>C, p.Val692= (NM_001322009.2); c.1887G>C, p.Val629= (NM_001322010.2); c.1515G>C, p.Val505= (NM_001322011.2, NM_001322012.2); c.1875G>C, p.Val625= (NM_001322013.2); c.2481G>C, p.Val827= (NM_001322014.2); and 1 more.
Identifiers: ClinVar variation 706353 (VCV000706353.15), dbSNP rs1583270439, ClinGen allele CA453642214.

ClinVar aggregate classification (germline): Benign/Likely benign. Review status: criteria provided, multiple submitters, no conflicts (2 of 4 stars). 4 submissions from 4 submitters: Benign (1); Likely benign (3). Last evaluated 2026-01-13.

Conditions:
Hereditary nonpolyposis colorectal neoplasms. Identifiers: MedGen C0009405, MeSH D003123.
Hereditary cancer-predisposing syndrome. Also called: Neoplastic Syndromes, Hereditary; Hereditary Cancer Syndrome; Tumor predisposition; Hereditary neoplastic syndrome. Identifiers: Orphanet 140162, MedGen C0027672, MeSH D009386, MONDO:0015356.
Lynch syndrome 4 (LYNCH4). Also called: Colorectal cancer, hereditary nonpolyposis, type 4; Hereditary non-polyposis colorectal cancer, type 4. Identifiers: Orphanet 144, MedGen C1838333, MONDO:0013699, OMIM 614337. Disease mechanism: loss of function.

Submissions (4):

Labcorp Genetics (formerly Invitae), Labcorp
Classification: Likely benign for Hereditary nonpolyposis colorectal neoplasms. Last evaluated: 2026-01-13. Review status: criteria provided, single submitter. Criteria: Invitae Variant Classification Sherloc (09022015). Collection method: clinical testing. Allele origin: germline.

Myriad Genetics, Inc.
Classification: Benign for Lynch syndrome 4. Last evaluated: 2025-02-04. Review status: criteria provided, single submitter. Criteria: Myriad Autosomal Dominant, Autosomal Recessive and X-Linked Classification Criteria (2023). Collection method: clinical testing. Allele origin: unknown.
Comment: This variant is considered benign. This variant is a silent/synonymous amino acid change and it is not expected to impact splicing.

Color Diagnostics, LLC DBA Color Health
Classification: Likely benign for Hereditary cancer-predisposing syndrome. Last evaluated: 2025-02-02. Review status: criteria provided, single submitter. Criteria: ACMG Guidelines, 2015. Collection method: clinical testing. Allele origin: germline.

Ambry Genetics
Classification: Likely benign for Hereditary cancer-predisposing syndrome. Last evaluated: 2019-02-20. Review status: criteria provided, single submitter. Criteria: Ambry Variant Classification Scheme 2023. Collection method: clinical testing. Allele origin: germline.